The following is an entry in ClinVar:

NM_022464.5(SIL1):c.453+5G>A

Gene: SIL1 (SIL1 nucleotide exchange factor; minus strand). Cytogenetic location: 5q31.2.
Variant type: single nucleotide variant.
Coding change: c.453+5G>A on transcript NM_022464.5 (MANE Select); 5 bases into the intron after coding-DNA position 453, G replaced by A.
Molecular consequence: intron variant.
Genome position (GRCh38, 1-based): chr5:139,042,615, C>T on the plus strand (G>A on the coding strand, the complement: SIL1 is on the minus strand). VCF-style: chr5-139042615-C-T. GRCh37 (hg19) VCF-style: chr5-138378304-C-T.
Other names: c.453+5G>A (NM_001037633.2).
Identifiers: ClinVar variation 3775636 (VCV003775636.2).
Genomic context (GRCh38, chr5:139,042,615, plus strand): 5'-CATTCTCTGCAAAGACAACAAGGCCATGCTGCAGGCTTATACTCACAGGAAAAATAATCA[C>T]ACACCTTGTCTTCCTTTGAACTCTCCATCTCTGCCCCCTCCTTGAATTTTGCCAGTGCAC-3'

ClinVar aggregate classification (germline): Likely pathogenic (1 of 4 stars; one submission).

Conditions:
Marinesco-Sjögren syndrome (MSS). Also called: Marinesco-SjÃ¶gren syndrome; Marinesco-Sjogren Syndrome. Identifiers: Orphanet 559, MedGen C0024814, MONDO:0009567, OMIM 248800.

Submission:

3billion
Classification: Likely pathogenic for Marinesco-Sjögren syndrome. Last evaluated: 2024-12-26. Review status: criteria provided, single submitter. Criteria: ACMG Guidelines, 2015. Collection method: clinical testing. Allele origin: germline. Affected: yes.
Comment: The variant is not observed in the gnomAD v4.1.0 dataset. Predicted Consequence/Location: Intron variant In silico tools predict the variant to alter splicing and produce an abnormal transcript [SpliceAI: 0.77 (>=0.2, moderate evidence for spliceogenicity)]. The variant has been observed in at least two similarly affected unrelated individuals (3billion dataset). The variant has been reported to be associated with SIL1-related disorder (PMID: 34852264). Therefore, this variant is classified as Likely pathogenic according to the recommendation of ACMG/AMP guideline.

Literature cited by the submitters: PubMed 34852264.